The following is an entry in ClinVar:

ClinVar aggregate classification (germline): Likely pathogenic (1 of 4 stars; one submission).

Submission:

Labcorp Genetics (formerly Invitae), Labcorp
Classification: Likely pathogenic. Last evaluated: 2022-11-29. Review status: criteria provided, single submitter. Criteria: Invitae Variant Classification Sherloc (09022015). Collection method: clinical testing. Allele origin: unknown.
Comment: In summary, the currently available evidence indicates that the variant is pathogenic, but additional data are needed to prove that conclusively. Therefore, this variant has been classified as Likely Pathogenic. This variant has not been reported in the literature in individuals affected with SLC12A1-related conditions. This variant results in a copy number gain of the genomic region encompassing exon(s) 12-15 of the SLC12A1 gene. While the exact position of this variant cannot be determined from the data, sub-genic copy number gains are generally in tandem (PMID: 25640679). This variant is predicted to be out-of-frame, and may result in an absent or disrupted protein product. Loss-of-function variants in SLC12A1 are known to be pathogenic (PMID: 8640224, 9585600, 19096086).

Literature cited by the submitters: PubMed 25640679; PubMed 8640224; PubMed 9585600; PubMed 19096086.

NC_000015.9:g.(?_48539086)_(48543987_?)dup

Gene: SLC12A1 (solute carrier family 12 member 1; plus strand). Cytogenetic location: 15q21.1.
Variant type: Duplication.
Identifiers: ClinVar variation 3243859 (VCV003243859.1).